The following is an entry in ClinVar:

ClinVar aggregate classification (germline): Uncertain significance. Review status: criteria provided, multiple submitters, no conflicts (2 of 4 stars). 3 submissions from 3 submitters: Uncertain significance (3). Last evaluated 2025-03-19.

Conditions:
Hypertrophic cardiomyopathy. Also called: HYPERTROPHIC MYOCARDIOPATHY. Identifiers: Orphanet 217569, MedGen C0007194, MeSH D002312, MONDO:0005045, HP:0001639.

Allele frequency attached by ClinVar (database versions not stated): TOPMed below 0.00001; gnomAD exomes 0.00001; gnomAD 0.00001.
gnomAD v4.1: 13 of 1,612,910 alleles (0.00081%); highest among the groups gnomAD compares: South Asian, 0.0011%; no homozygotes.

Submissions (3):

Labcorp Genetics (formerly Invitae), Labcorp
Classification: Uncertain significance for Hypertrophic cardiomyopathy. Last evaluated: 2025-03-19. Review status: criteria provided, single submitter. Criteria: Invitae Variant Classification Sherloc (09022015). Collection method: clinical testing. Allele origin: germline.
Comment: This sequence change creates a premature translational stop signal (p.Gln74*) in the MYOZ2 gene. It is expected to result in an absent or disrupted protein product. However, the current clinical and genetic evidence is not sufficient to establish whether loss-of-function variants in MYOZ2 cause disease. This variant is not present in population databases (gnomAD no frequency). This variant has not been reported in the literature in individuals affected with MYOZ2-related conditions. ClinVar contains an entry for this variant (Variation ID: 213652). In summary, the available evidence is currently insufficient to determine the role of this variant in disease. Therefore, it has been classified as a Variant of Uncertain Significance.

AiLife Diagnostics
Classification: Uncertain significance. Last evaluated: 2022-01-05. Review status: criteria provided, single submitter. Criteria: ACMG Guidelines, 2015. Collection method: clinical testing. Allele origin: germline. Affected: yes. Observed: 1 variant allele.

GeneDx
Classification: Uncertain significance. Last evaluated: 2014-04-21. Review status: criteria provided, single submitter. Criteria: GeneDx Variant Classification (06012015). Collection method: clinical testing. Allele origin: germline. Affected: yes.
Comment: p.Gln74Stop (CAG>TAG): c.220 C>T in exon 3 of the MYOZ2 gene (NM_016599.4). The Q74X variant in the MYOZ2 gene has not been reported as a disease-causing mutation nor as a benign polymorphism to our knowledge. Q74X may result in loss of normal protein function either by protein truncation or nonsense-mediated mRNA decay. However, no definitively disease-causing truncating mutations in the MYOZ2 gene have been reported in association with cardiomyopathy.Therefore, based on the currently available information, it is unclear whether this variant is a pathogenic mutation or a rare benign variant. This variant was found in CARDIOMYOPATHY

NM_016599.5(MYOZ2):c.220C>T (p.Gln74Ter)

Gene: MYOZ2 (myozenin 2; plus strand). Cytogenetic location: 4q26.
Variant type: single nucleotide variant.
Coding change: c.220C>T on transcript NM_016599.5 (MANE Select); coding-DNA position 220, C replaced by T.
Protein change: p.Gln74Ter; replaces glutamine 74 with a stop codon.
Molecular consequence: nonsense.
Genome position (GRCh38, 1-based): chr4:119,151,015, C>T. VCF-style: chr4-119151015-C-T. GRCh37 (hg19) VCF-style: chr4-120072170-C-T.
Other names: p.Q74*:CAG>TAG; short protein forms Q74*.
Identifiers: ClinVar variation 213652 (VCV000213652.6), dbSNP rs863223715, ClinGen allele CA324863.